The following is an entry in ClinVar:

ClinVar aggregate classification (germline): Uncertain significance (1 of 4 stars; one submission).

Conditions:
Neuronal ceroid lipofuscinosis. Also called: Neuronal Ceroid Lipofuscinoses. Identifiers: Orphanet 216, Orphanet 79263, MedGen C0027877, MONDO:0016295. Disease mechanism: loss of function.

Submission:

Labcorp Genetics (formerly Invitae), Labcorp
Classification: Uncertain significance for Neuronal ceroid lipofuscinosis. Last evaluated: 2023-04-25. Review status: criteria provided, single submitter. Criteria: Invitae Variant Classification Sherloc (09022015). Collection method: clinical testing. Allele origin: germline.
Comment: In summary, the available evidence is currently insufficient to determine the role of this variant in disease. Therefore, it has been classified as a Variant of Uncertain Significance. An algorithm developed to predict the effect of missense changes on protein structure and function (PolyPhen-2) suggests that this variant is likely to be tolerated. This variant has not been reported in the literature in individuals affected with DNAJC5-related conditions. This variant is not present in population databases (gnomAD no frequency). This sequence change replaces histidine, which is basic and polar, with arginine, which is basic and polar, at codon 193 of the DNAJC5 protein (p.His193Arg).

NM_025219.3(DNAJC5):c.578A>G (p.His193Arg)

Gene: DNAJC5 (DnaJ heat shock protein family (Hsp40) member C5; plus strand). Cytogenetic location: 20q13.33.
Variant type: single nucleotide variant.
Coding change: c.578A>G on transcript NM_025219.3 (MANE Select); coding-DNA position 578, A replaced by G.
Protein change: p.His193Arg; replaces histidine 193 with arginine.
Molecular consequence: missense variant.
Genome position (GRCh38, 1-based): chr20:63,931,549, A>G. VCF-style: chr20-63931549-A-G. GRCh37 (hg19) VCF-style: chr20-62562902-A-G.
Other names: short protein forms H193R.
Identifiers: ClinVar variation 2859242 (VCV002859242.3), dbSNP rs2516803870, ClinGen allele CA409721580.
Genomic context (GRCh38, chr20:63,931,549, plus strand): 5'-TACAGCCGGCATCCGCCACCGAGACCACCCAGCTCACAGCCGACTCCCACCCCAGCTACC[A>G]CACTGACGGGTTCAACTAAATCCAGGAGGAGCTGTGGTCAGAGGAGGAGCCGGCGCCTGG-3'
Protein context (NP_079495.1, residues 183-198): QLTADSHPSY[His193Arg]TDGFN